The following is an entry in ClinVar:

NM_015474.4(SAMHD1):c.726G>C (p.Glu242Asp)

Gene: SAMHD1 (SAM and HD domain containing deoxynucleoside triphosphate triphosphohydrolase 1; minus strand). Cytogenetic location: 20q11.23.
Variant type: single nucleotide variant.
Coding change: c.726G>C on transcript NM_015474.4 (MANE Select); coding-DNA position 726, G replaced by C.
Protein change: p.Glu242Asp; replaces glutamic acid 242 with aspartic acid.
Molecular consequence: missense variant.
Genome position (GRCh38, 1-based): chr20:36,919,490, C>G on the plus strand (G>C on the coding strand, the complement: SAMHD1 is on the minus strand). VCF-style: chr20-36919490-C-G. GRCh37 (hg19) VCF-style: chr20-35547893-C-G.
Other names: c.726G>C (NM_015474.3); c.726G>C, p.Glu242Asp (NM_001363729.2, NM_001363733.2); short protein forms E242D.
Identifiers: ClinVar variation 1421708 (VCV001421708.6), dbSNP rs1239766590, ClinGen allele CA408846578.

ClinVar aggregate classification (germline): Uncertain significance. Review status: criteria provided, multiple submitters, no conflicts (2 of 4 stars). 2 submissions from 2 submitters: Uncertain significance (2). Last evaluated 2025-07-01.

Conditions:
Inborn genetic diseases. Identifiers: MedGen C0950123, MeSH D030342.
Aicardi-Goutieres syndrome 5. Identifiers: Orphanet 51, MedGen C2749659, MONDO:0013059, OMIM 612952.

Allele frequency attached by ClinVar (database versions not stated): gnomAD exomes below 0.00001.
gnomAD v4.1: 1 of 1,613,492 alleles (0.000062%); highest among the groups gnomAD compares: Admixed American, 0.0017%; no homozygotes.

Submissions (2):

Ambry Genetics
Classification: Uncertain significance for Inborn genetic diseases. Last evaluated: 2025-07-01. Review status: criteria provided, single submitter. Criteria: Ambry Variant Classification Scheme 2023. Collection method: clinical testing. Allele origin: germline.

Labcorp Genetics (formerly Invitae), Labcorp
Classification: Uncertain significance for Aicardi-Goutieres syndrome 5. Last evaluated: 2022-07-15. Review status: criteria provided, single submitter. Criteria: Invitae Variant Classification Sherloc (09022015). Collection method: clinical testing. Allele origin: germline.
Comment: This sequence change replaces glutamic acid, which is acidic and polar, with aspartic acid, which is acidic and polar, at codon 242 of the SAMHD1 protein (p.Glu242Asp). This variant is present in population databases (no rsID available, gnomAD 0.003%). This variant has not been reported in the literature in individuals affected with SAMHD1-related conditions. ClinVar contains an entry for this variant (Variation ID: 1421708). Algorithms developed to predict the effect of missense changes on protein structure and function output the following: SIFT: "Tolerated"; PolyPhen-2: "Benign"; Align-GVGD: "Class C0". The aspartic acid amino acid residue is found in multiple mammalian species, which suggests that this missense change does not adversely affect protein function. In summary, the available evidence is currently insufficient to determine the role of this variant in disease. Therefore, it has been classified as a Variant of Uncertain Significance.